The following is an entry in ClinVar:

ClinVar aggregate classification (germline): Pathogenic (1 of 4 stars; one submission).

Submission:

Labcorp Genetics (formerly Invitae), Labcorp
Classification: Pathogenic. Last evaluated: 2018-11-22. Review status: criteria provided, single submitter. Criteria: Invitae Variant Classification Sherloc (09022015). Collection method: clinical testing. Allele origin: germline.
Comment: For these reasons, this variant has been classified as Pathogenic. This sequence change creates a premature translational stop signal (p.Met393Ilefs*82) in the COL4A5 gene. It is expected to result in an absent or disrupted protein product. This variant is not present in population databases (ExAC no frequency). This variant has not been reported in the literature in individuals with COL4A5-related disease. Loss-of-function variants in COL4A5 are known to be pathogenic (PMID: 9195222, 10752524, 14514738, 24854265, 26809805).

Literature cited by the submitters: PubMed 9195222; PubMed 10752524; PubMed 14514738; PubMed 24854265; PubMed 26809805.

NM_033380.3(COL4A5):c.1177_1178dup (p.Met393fs)

Gene: COL4A5 (collagen type IV alpha 5 chain; plus strand). Cytogenetic location: Xq22.3.
Variant type: Duplication.
Coding change: c.1177_1178dup on transcript NM_033380.3 (MANE Select); coding-DNA positions 1177 to 1178, 2 bases duplicated (AT; older notation c.1177_1178dupAT).
Protein change: p.Met393fs; shifts the reading frame from methionine 393.
Molecular consequence: frameshift variant.
Genome position (GRCh38, 1-based): chrX:108,591,069-108,591,070, AT duplicated; duplicating any 2 consecutive bases within chrX:108,591,068-108,591,070 gives the same sequence; the c. name uses the placement nearest the transcript's 3' end. VCF-style (leftmost placement, unchanged base first): chrX-108591067-T-TTA. GRCh37 (hg19) VCF-style: chrX-107834297-T-TTA.
Other names: c.1177_1178dup, p.Met393fs (NM_000495.5); short protein forms M393fs.
Identifiers: ClinVar variation 642234 (VCV000642234.7), dbSNP rs1603287481, ClinGen allele CA915951326.
Genomic context (GRCh38, chrX:108,591,067, plus strand): 5'-AAAGTAACATCTCTAAGATGAAATCATTTTGATCACTTTTTTGAATCTTAGGGGCTGCAG[T>TTA]TATGGGTCCTCCTGGCCCTCCTGGATTTCCTGGAGAAAGGGGTCAGAAAGGTGATGAAGG-3'